The following is an entry in ClinVar:

NM_001377334.1(PIK3C2B):c.1632C>T (p.Ala544=)

Gene: PIK3C2B (phosphatidylinositol-4-phosphate 3-kinase catalytic subunit type 2 beta; minus strand). Cytogenetic location: 1q32.1.
Variant type: single nucleotide variant.
Coding change: c.1632C>T on transcript NM_001377334.1 (MANE Select); coding-DNA position 1632, C replaced by T.
Protein change: p.Ala544=; no amino-acid change (alanine 544 retained).
Molecular consequence: synonymous variant.
Genome position (GRCh38, 1-based): chr1:204,457,809, G>A on the plus strand (C>T on the coding strand, the complement: PIK3C2B is on the minus strand). VCF-style: chr1-204457809-G-A. GRCh37 (hg19) VCF-style: chr1-204426937-G-A.
Other names: c.1632C>T, p.Ala544= (NM_001377335.1, NM_002646.4).
Identifiers: ClinVar variation 3045190 (VCV003045190.2), dbSNP rs151334446, ClinGen allele CA1347927.

ClinVar aggregate classification (germline): Likely benign (0 of 4 stars; one submission).

Conditions:
PIK3C2B-related disorder. Also called: PIK3C2B-related condition.

Allele frequency attached by ClinVar (database versions not stated): gnomAD exomes 0.00012; ExAC 0.00031; gnomAD 0.00102; ESP Exome Variant Server 0.00115; 1000 Genomes Project 0.00120; 1000 Genomes Project 30x 0.00125; TOPMed 0.00136.
gnomAD v4.1: 346 of 1,612,996 alleles (0.021%); highest among the groups gnomAD compares: African/African-American, 0.32%; no homozygotes.

Submission:

PreventionGenetics, part of Exact Sciences
Classification: Likely benign for PIK3C2B-related condition. Last evaluated: 2019-11-26. Review status: no assertion criteria provided. Collection method: clinical testing. Allele origin: germline.
Comment: This variant is classified as likely benign based on ACMG/AMP sequence variant interpretation guidelines (Richards et al. 2015 PMID: 25741868, with internal and published modifications).